The following is an entry in ClinVar:

NC_012920.1(MT-ATP6):m.8588T>C

Gene: MT-ATP6 (mitochondrially encoded ATP synthase 6; plus strand).
Variant type: single nucleotide variant.
Genome position: chrM-8588-T-C.
Identifiers: ClinVar variation 692914 (VCV000692914.1), dbSNP rs1603221606, ClinGen allele CA414796824.
Genomic context (GRCh38, chrMT:8,588, plus strand): 5'-TGAACGAAAATCTGTTCGCTTCATTCATTGCCCCCACAATCCTAGGCCTACCCGCCGCAG[T>C]ACTGATCATTCTATTTCCCCCTCTATTGATCCCCACCTCCAAATATCTCATCAACAACCG-3'

ClinVar aggregate classification (germline): Benign (1 of 4 stars; one submission).

Conditions:
Leigh syndrome (NULS). Also called: Leigh's necrotizing encephalopathy; Leigh's disease; Leigh Syndrome (mtDNA deletion); Leigh Disease; Subacute necrotizing encephalopathy; Necrotizing encephalopathy infantile subacute of Leigh. Identifiers: Orphanet 506, MedGen C2931891, MONDO:0009723, OMIM 256000.

Submission:

Wong Mito Lab, Molecular and Human Genetics, Baylor College of Medicine
Classification: Benign for Leigh syndrome. Last evaluated: 2019-10-17. Review status: criteria provided, single submitter. Criteria: Modified ACMG Guidelines (Unpublished). Collection method: clinical testing. Allele origin: germline.
Comment: The NC_012920.1:m.8588T>C (YP_003024031.1:p.Val21Ala) variant in MTATP6 gene is interpretated to be a Benign variant based on the modified ACMG guidelines (unpublished). This variant meets the following evidence codes: BS1, BS4